The following is an entry in ClinVar:

NC_000003.11:g.(?_121489192)_(125313644_?)dup

Genes: CSTA (cystatin A; plus strand), DTX3L (deltex E3 ubiquitin ligase 3L; plus strand), EAF2 (ELL associated factor 2; plus strand), FAM162A (family with sequence similarity 162 member A; plus strand), HACD2 (3-hydroxyacyl-CoA dehydratase 2; minus strand) and 29 more. Cytogenetic location: 3q13.33-21.2.
Variant type: Duplication.
Identifiers: ClinVar variation 2423002 (VCV002423002.4).

ClinVar aggregate classification (germline): Uncertain significance (1 of 4 stars; one submission).

Conditions:
Familial hypocalciuric hypercalcemia (FHH). Also called: Familial benign hypercalcemia. Identifiers: Orphanet 405, MedGen C1809471, MONDO:0018458.
Autosomal dominant hypocalcemia 1 (HYPOC1). Also called: HYPOCALCEMIA, FAMILIAL. Identifiers: MedGen C3715128, MONDO:0011013, OMIM 601198.

Submission:

Labcorp Genetics (formerly Invitae), Labcorp
Classification: Uncertain significance for Familial hypocalciuric hypercalcemia; Autosomal dominant hypocalcemia 1. Last evaluated: 2022-08-09. Review status: criteria provided, single submitter. Criteria: Invitae Variant Classification Sherloc (09022015). Collection method: clinical testing. Allele origin: germline.
Comment: A copy number gain of the genomic region encompassing the full coding sequence of the CASR gene has been identified. The boundaries of this event are unknown as they extend beyond the assayed region for this gene and therefore may encompass additional genes. As the precise location of this event is unknown, it may be in tandem or it may be located elsewhere in the genome. This variant has not been reported in the literature in individuals affected with CASR-related conditions. In summary, the available evidence is currently insufficient to determine the role of this variant in disease. Therefore, it has been classified as a Variant of Uncertain Significance.